The following is an entry in ClinVar:

NM_001278716.2(FBXL4):c.1788G>T (p.Ser596=)

Gene: FBXL4 (F-box and leucine rich repeat protein 4; minus strand). Cytogenetic location: 6q16.1.
Variant type: single nucleotide variant.
Coding change: c.1788G>T on transcript NM_001278716.2 (MANE Select); coding-DNA position 1788, G replaced by T.
Protein change: p.Ser596=; no amino-acid change (serine 596 retained).
Molecular consequence: synonymous variant. On other transcripts: non-coding transcript variant (1).
Genome position (GRCh38, 1-based): chr6:98,874,356, C>A on the plus strand (G>T on the coding strand, the complement: FBXL4 is on the minus strand). VCF-style: chr6-98874356-C-A. GRCh37 (hg19) VCF-style: chr6-99322232-C-A.
Other names: c.1788G>T, p.Ser596= (NM_012160.5).
Identifiers: ClinVar variation 437817 (VCV000437817.1), dbSNP rs745713189, ClinGen allele CA3933340.

ClinVar aggregate classification (germline): Uncertain significance (1 of 4 stars; one submission).

Conditions:
Mitochondrial DNA depletion syndrome 13. Also called: FBXL4-Related Encephalomyopathic Mitochondrial DNA Depletion Syndrome; Mitochondrial DNA depletion syndrome 13 (encephalomyopathic type). Identifiers: Orphanet 369897, MedGen C3809592, MONDO:0014198, OMIM 615471.

Allele frequency attached by ClinVar (database versions not stated): TOPMed below 0.00001.
gnomAD v4.1: 3 of 1,612,846 alleles (0.00019%); highest among the groups gnomAD compares: Middle Eastern, 0.017%; no homozygotes.

Submission:

Wong Mito Lab, Molecular and Human Genetics, Baylor College of Medicine
Classification: Uncertain significance for Mitochondrial DNA depletion syndrome 13. Last evaluated: 2017-08-10. Review status: criteria provided, single submitter. Criteria: ACMG Guidelines, 2015. Collection method: reference population. Allele origin: germline.
Comment: The NM_012160.4:c.1788G>T (NP_036292.2:p.Ser596=) [GRCH38: NC_000006.12:g.98874356C>A] variant in FBXL4 gene is interpretated to be a Uncertain Significance - Conflicting Evidence based on ACMG guidelines (PMID: 25741868). This variant meets one or more of the following evidence codes reported in the ACMG-guideline. PM2:This variant is absent in key population databases. BP4:Computational evidence/predictors indicate no impact on the FBXL4 structure, function, or protein-protein interaction. BP7:The variant is silent with non predicted splice impact. Based on this evidence code ClinGen Pathogenicity Calculator (PMID:28081714) suggested that the variant is Uncertain Significance - Conflicting Evidence.